The following is an entry in ClinVar:

NM_014271.4(IL1RAPL1):c.1890C>T (p.Tyr630=)

Gene: IL1RAPL1 (interleukin 1 receptor accessory protein like 1; plus strand). Cytogenetic location: Xp21.2.
Variant type: single nucleotide variant.
Coding change: c.1890C>T on transcript NM_014271.4 (MANE Select); coding-DNA position 1890, C replaced by T.
Protein change: p.Tyr630=; no amino-acid change (tyrosine 630 retained).
Molecular consequence: synonymous variant.
Genome position (GRCh38, 1-based): chrX:29,955,619, C>T. VCF-style: chrX-29955619-C-T. GRCh37 (hg19) VCF-style: chrX-29973736-C-T.
Identifiers: ClinVar variation 2039636 (VCV002039636.32), dbSNP rs764610412, ClinGen allele CA10375617.
Genomic context (GRCh38, chrX:29,955,619, plus strand): 5'-CTTTCACAACACGTACCATTCACAAATGCGTCAGAAACACTACTACCGAAGCTATGAGTA[C>T]GACGTACCTCCTACCGGCACCCTGCCTCTTACCTCCATAGGCAATCAGCATACCTACTGT-3'
Protein context (NP_055086.1, residues 620-640): RQKHYYRSYE[Tyr630=]DVPPTGTLPL

ClinVar aggregate classification (germline): Likely benign. Review status: criteria provided, multiple submitters, no conflicts (2 of 4 stars). 2 submissions from 2 submitters: Likely benign (2). Last evaluated 2024-07-20.

Allele frequency attached by ClinVar (database versions not stated): gnomAD exomes below 0.00001; TOPMed 0.00002.

Submissions (2):

Labcorp Genetics (formerly Invitae), Labcorp
Classification: Likely benign. Last evaluated: 2024-07-20. Review status: criteria provided, single submitter. Criteria: Invitae Variant Classification Sherloc (09022015). Collection method: clinical testing. Allele origin: germline.

CeGaT Center for Human Genetics Tuebingen
Classification: Likely benign. Last evaluated: 2023-03-01. Review status: criteria provided, single submitter. Criteria: CeGaT Center For Human Genetics Tuebingen Variant Classification Criteria Version 2. Collection method: clinical testing. Allele origin: germline. Affected: yes. Observed: 1 variant allele.
Comment: IL1RAPL1: BP4, BP7